The following is an entry in ClinVar:

ClinVar aggregate classification (germline): Likely benign (1 of 4 stars; one submission).

Allele frequency attached by ClinVar (database versions not stated): gnomAD exomes 0.00025 and 0.00060; ExAC 0.00026; TOPMed 0.00030; ESP Exome Variant Server 0.00038; gnomAD 0.00038 and 0.00041.
gnomAD v4.1: 910 of 1,605,960 alleles (0.057%); highest among the groups gnomAD compares: Non-Finnish European, 0.074%; 1 homozygote.

Submission:

CeGaT Center for Human Genetics Tuebingen
Classification: Likely benign. Last evaluated: 2026-02-01. Review status: criteria provided, single submitter. Criteria: CeGaT Center For Human Genetics Tuebingen Variant Classification Criteria Version 2. Collection method: clinical testing. Allele origin: germline. Affected: yes. Observed: 2 variant alleles.
Comment: CENPE: BP4

NM_001813.3(CENPE):c.7732C>G (p.Gln2578Glu)

Gene: CENPE (centromere protein E; minus strand). Cytogenetic location: 4q24.
Variant type: single nucleotide variant.
Coding change: c.7732C>G on transcript NM_001813.3 (MANE Select); coding-DNA position 7732, C replaced by G.
Protein change: p.Gln2578Glu; replaces glutamine 2578 with glutamic acid.
Molecular consequence: missense variant.
Genome position (GRCh38, 1-based): chr4:103,109,082, G>C on the plus strand (C>G on the coding strand, the complement: CENPE is on the minus strand). VCF-style: chr4-103109082-G-C. GRCh37 (hg19) VCF-style: chr4-104030239-G-C.
Other names: c.7369C>G, p.Gln2457Glu (NM_001286734.2); short protein forms Q2457E, Q2578E.
Identifiers: ClinVar variation 1298966 (VCV001298966.35), dbSNP rs149532916, ClinGen allele CA3029061.